The following is an entry in ClinVar:

ClinVar aggregate classification (germline): Pathogenic/Likely pathogenic. Review status: criteria provided, multiple submitters, no conflicts (2 of 4 stars). 6 submissions from 6 submitters: Pathogenic (4); Likely pathogenic (1). 1 of the submissions does not count toward it. Last evaluated 2025-12-02.
ClinVar aggregate classification (oncogenicity): Oncogenic (1 of 4 stars; one submission).

Conditions:
Lip and oral cavity carcinoma. Identifiers: MedGen C0220641, MONDO:0023644.
Familial melanoma. Also called: Hereditary melanoma; Hereditary cutaneous melanoma. Identifiers: Orphanet 618, MedGen C1512419, MONDO:0018961.
CDKN2A-related disorder. Also called: CDKN2A-related condition.
Hereditary cancer-predisposing syndrome. Also called: Tumor predisposition; Neoplastic Syndromes, Hereditary; Hereditary neoplastic syndrome; Hereditary Cancer Syndrome. Identifiers: Orphanet 140162, MedGen C0027672, MeSH D009386, MONDO:0015356.
Melanoma-pancreatic cancer syndrome. Identifiers: Orphanet 404560, MedGen C1838547, MONDO:0011713, OMIM 606719. Disease mechanism: loss of function.
Neoplasm. Also called: Neoplasms; Neoplasm (disease); tumor. Identifiers: MedGen C0027651, MeSH D009369, MONDO:0005070, HP:0002664.

Allele frequency attached by ClinVar (database versions not stated): gnomAD exomes below 0.00001.
gnomAD v4.1: 1 of 1,606,536 alleles (0.000062%); highest among the groups gnomAD compares: Non-Finnish European, 0.000085%; no homozygotes.

Submissions (7):

Center for Genomic Medicine, Rigshospitalet, Copenhagen University Hospital
Classification: Oncogenic for Neoplasm. Last evaluated: 2025-12-29. Review status: criteria provided, single submitter. Criteria: ClinGen/CGC/VICC Guidelines for Oncogenicity, 2022. Collection method: clinical testing. Allele origin: somatic. Affected: yes.

Ambry Genetics
Classification: Pathogenic for Hereditary cancer-predisposing syndrome. Last evaluated: 2025-12-02. Review status: criteria provided, single submitter. Criteria: Ambry Variant Classification Scheme 2023. Collection method: clinical testing. Allele origin: germline.
Comment: The p.W110* variant (also known as c.330G>A), located in coding exon 2 of the CDKN2A gene, results from a G to A substitution at nucleotide position 330. This changes the amino acid from a tryptophan to a stop codon within coding exon 2. This alteration demonstrated reduced Cdk binding activity (Parry D et al. Mol Cell Biol. 1996 Jul;16:3844-52). This variant is considered to be rare based on population cohorts in the Genome Aggregation Database (gnomAD). This alteration is expected to result in loss of function by premature protein truncation or nonsense-mediated mRNA decay. As such, this alteration is interpreted as a disease-causing mutation.

GeneKor MSA
Classification: Pathogenic for Melanoma-pancreatic cancer syndrome. Last evaluated: 2025-05-15. Review status: criteria provided, single submitter. Criteria: ACMG Guidelines, 2015. Collection method: clinical testing. Allele origin: germline. Affected: yes.
Comment: This variant involves a single nucleotide substitution at position 330 of the CDKN2A gene, resulting in the replacement of tryptophan with a stop codon at position 110 of the CDKN2A protein p.(Trp110*). The resulting protein is expected to be truncated and non-functional. This alteration has been described in the international literature in patients with melanoma (PMID:16374456) and is listed in the ClinVar database (VCV000376303.9).Based on the above evidence, this variant is classified as pathogenic.

Labcorp Genetics (formerly Invitae), Labcorp
Classification: Pathogenic for Familial melanoma. Last evaluated: 2024-05-13. Review status: criteria provided, single submitter. Criteria: Invitae Variant Classification Sherloc (09022015). Collection method: clinical testing. Allele origin: germline.
Comment: The CDKN2A gene encodes two different proteins, p16INK4a and p14ARF, which are translated from alternative transcripts with different open reading frames. Both transcripts have been analyzed. We report either the variant with the higher classification or default to the CDKN2A (p16INK4a) variant. This report therefore includes the details for the CDKN2A (p16INK4a) variant. This sequence change creates a premature translational stop signal (p.Trp110*) in the CDKN2A (p16INK4a) gene. It is expected to result in an absent or disrupted protein product. Loss-of-function variants in CDKN2A (p16INK4a) are known to be pathogenic (PMID: 15146471, 16905682). This variant is not present in population databases (gnomAD no frequency). This premature translational stop signal has been observed in individual(s) with melanoma (PMID: 16374456). This variant is also known as c.373G>A (p.Gly125Arg) in CDKN2A (p14ARF) transcript. ClinVar contains an entry for this variant (Variation ID: 376303). Algorithms developed to predict the effect of variants on gene product structure and function are not available or were not evaluated for this variant. Experimental studies have shown that this premature translational stop signal affects CDKN2A (p16INK4a) function (PMID: 8668202). For these reasons, this variant has been classified as Pathogenic. While the evidence indicates that this variant confers risk of developing CDKN2A (p16INK4a)-associated conditions, its association with risk for developing CDKN2A (p14ARF)-associated conditions is still unclear.

Blueprint Genetics
Classification: Likely pathogenic for CDKN2A-related disorders. Last evaluated: 2022-06-01. Review status: criteria provided, single submitter. Criteria: ACMG Guidelines, 2015. Collection method: clinical testing. Allele origin: germline. Affected: yes. Observed: 1 variant allele.

Color Diagnostics, LLC DBA Color Health
Classification: Pathogenic for Hereditary cancer-predisposing syndrome. Last evaluated: 2022-03-16. Review status: criteria provided, single submitter. Criteria: ACMG Guidelines, 2015. Collection method: clinical testing. Allele origin: germline.
Comment: The CDKN2A locus encodes two different gene products, p16INK4a and p14ARF. This variant changes 1 nucleotide in exon 2 of the CDKN2A (p16INK4A) gene, creating a premature translation stop signal. This variant is expected to result in an absent or non-functional protein product missing the C-terminal sequence that encodes ankyrin repeat 4. This variant has been reported in two individuals affected with melanoma in the literature (PMID: 16374456, 21801156). This variant has not been identified in the general population by the Genome Aggregation Database (gnomAD). Loss of CDKN2A function is a known mechanism of disease. Based on the available evidence, this variant is classified as Pathogenic.

Institute of Medical Sciences, Banaras Hindu University
Classification: Pathogenic for Lip and oral cavity carcinoma. Last evaluated: 2019-04-30. Review status: no assertion criteria provided. Collection method: research. Allele origin: somatic. Affected: yes. Observed: 3 variant alleles. Not counted in ClinVar's aggregate classification.

Literature cited by the submitters: PubMed 9053859 (cited by Center for Genomic Medicine, Rigshospitalet, Copenhagen University Hospital); PubMed 8668202 (cited by 3 submitters); PubMed 16374456 (cited by 4 submitters); PubMed 21801156 (cited by Ambry Genetics and Color Diagnostics, LLC DBA Color Health); PubMed 15146471 (cited by Labcorp Genetics (formerly Invitae), Labcorp); PubMed 16905682 (cited by Labcorp Genetics (formerly Invitae), Labcorp); PubMed 31775759 (cited by Institute of Medical Sciences, Banaras Hindu University).

NM_000077.5(CDKN2A):c.330G>A (p.Trp110Ter)

Gene: CDKN2A (cyclin dependent kinase inhibitor 2A; minus strand). Cytogenetic location: 9p21.3.
Variant type: single nucleotide variant.
Coding change: c.330G>A on transcript NM_000077.5; coding-DNA position 330, G replaced by A.
Protein change: p.Trp110Ter; replaces tryptophan 110 with a stop codon.
Molecular consequence: nonsense (on NM_000077.6). On other transcripts: missense variant (1), 3 prime UTR variant (1).
Genome position (GRCh38, 1-based): chr9:21,971,029, C>T on the plus strand (G>A on the coding strand, the complement: CDKN2A is on the minus strand). VCF-style: chr9-21971029-C-T. GRCh37 (hg19) VCF-style: chr9-21971028-C-T.
Other names: c.330G>A, p.Trp110Ter (NM_000077.6, NM_001195132.2); c.177G>A, p.Trp59Ter (NM_001363763.2); c.373G>A, p.Gly125Arg (NM_058195.4); c.*253G>A (NM_058197.5); short protein forms G125R, W110*, W59*.
Identifiers: ClinVar variation 376303 (VCV000376303.14), dbSNP rs121913389, ClinGen allele CA16602749.
Genomic context (GRCh38, chr9:21,971,029, plus strand): 5'-CAGGTACCGTGCGACATCGCGATGGCCCAGCTCCTCAGCCAGGTCCACGGGCAGACGGCC[C>T]CAGGCATCGCGCACGTCCAGCCGCGCCCCGGCCCGGTGCAGCACCACCAGCGTGTCCAGG-3'